The following is an entry in ClinVar:

NM_001987.5(ETV6):c.755A>C (p.His252Pro)

Gene: ETV6 (ETS variant transcription factor 6; plus strand). Cytogenetic location: 12p13.2.
Variant type: single nucleotide variant.
Coding change: c.755A>C on transcript NM_001987.5 (MANE Select); coding-DNA position 755, A replaced by C.
Protein change: p.His252Pro; replaces histidine 252 with proline.
Molecular consequence: missense variant.
Genome position (GRCh38, 1-based): chr12:11,869,715, A>C. VCF-style: chr12-11869715-A-C. GRCh37 (hg19) VCF-style: chr12-12022649-A-C.
Other names: c.752A>C, p.His251Pro (NM_001413913.1); c.728A>C, p.His243Pro (NM_001413914.1); c.491A>C, p.His164Pro (NM_001413915.1); c.755A>C, p.His252Pro (NM_001413916.1, NM_001413917.1); short protein forms H164P, H251P, H252P, H243P.
Identifiers: ClinVar variation 3846535 (VCV003846535.1).

ClinVar aggregate classification (germline): Uncertain significance (1 of 4 stars; one submission).

Conditions:
Inborn genetic diseases. Identifiers: MedGen C0950123, MeSH D030342.

Submission:

Ambry Genetics
Classification: Uncertain significance for Inborn genetic diseases. Last evaluated: 2025-02-14. Review status: criteria provided, single submitter. Criteria: Ambry Variant Classification Scheme 2023. Collection method: clinical testing. Allele origin: germline.
Comment: The p.H252P variant (also known as c.755A>C), located in coding exon 5 of the ETV6 gene, results from an A to C substitution at nucleotide position 755. The histidine at codon 252 is replaced by proline, an amino acid with similar properties. This amino acid position is conserved. In addition, this alteration is predicted to be tolerated by in silico analysis. Based on the available evidence, the clinical significance of this variant remains unclear.